The following is an entry in ClinVar:

ClinVar aggregate classification (germline): Uncertain significance (1 of 4 stars; one submission).

Conditions:
Epidermolysis bullosa simplex with nail dystrophy (EBS5D). Identifiers: MedGen C4225309, MONDO:0014661, OMIM 616487.
Epidermolysis bullosa simplex, Ogna type (EBS5A). Also called: EPIDERMOLYSIS BULLOSA SIMPLEX 5A, OGNA TYPE; Pidermolysis bullosa simplex 5A, Ogna type. Identifiers: Orphanet 79401, MedGen C0432317, MONDO:0007555, OMIM 131950.
Autosomal recessive limb-girdle muscular dystrophy type 2Q (LGMDR17). Also called: MUSCULAR DYSTROPHY, LIMB-GIRDLE, AUTOSOMAL RECESSIVE 17. Identifiers: Orphanet 254361, MedGen C3150989, MONDO:0013390, OMIM 613723.
Epidermolysis bullosa simplex 5B, with muscular dystrophy (EBS5B). Also called: EPIDERMOLYSIS BULLOSA SIMPLEX AND LIMB-GIRDLE MUSCULAR DYSTROPHY; Epidermolysis bullosa simplex with muscular dystrophy. Identifiers: Orphanet 257, MedGen C2931072, MONDO:0009181, OMIM 226670.
Epidermolysis bullosa simplex 5C, with pyloric atresia (EBS5C). Also called: PLEC-Related Epidermolysis Bullosa with Pyloric Atresia; Epidermolysis bullosa simplex with pyloric atresia; PLEC1-Related Epidermolysis Bullosa with Pyloric Atresia. Identifiers: Orphanet 158684, MedGen C2677349, MONDO:0012807, OMIM 612138.

gnomAD v4.1: 6 of 1,613,676 alleles (0.00037%); highest among the groups gnomAD compares: Middle Eastern, 0.016%; no homozygotes.

Submission:

Labcorp Genetics (formerly Invitae), Labcorp
Classification: Uncertain significance for Autosomal recessive limb-girdle muscular dystrophy type 2Q; Epidermolysis bullosa simplex, Ogna type; Epidermolysis bullosa simplex with nail dystrophy; Epidermolysis bullosa simplex 5C, with pyloric atresia; Epidermolysis bullosa simplex 5B, with muscular dystrophy. Last evaluated: 2025-02-23. Review status: criteria provided, single submitter. Criteria: Invitae Variant Classification Sherloc (09022015). Collection method: clinical testing. Allele origin: germline.
Comment: This sequence change replaces aspartic acid, which is acidic and polar, with tyrosine, which is neutral and polar, at codon 2854 of the PLEC protein (p.Asp2854Tyr). This variant is present in population databases (rs782526828, gnomAD 0.002%). This variant has not been reported in the literature in individuals affected with PLEC-related conditions. An algorithm developed to predict the effect of missense changes on protein structure and function (PolyPhen-2) suggests that this variant is likely to be disruptive. In summary, the available evidence is currently insufficient to determine the role of this variant in disease. Therefore, it has been classified as a Variant of Uncertain Significance.

NM_201384.3(PLEC):c.8479G>T (p.Asp2827Tyr)

Gene: PLEC (plectin; minus strand). Cytogenetic location: 8q24.3.
Variant type: single nucleotide variant.
Coding change: c.8479G>T on transcript NM_201384.3 (MANE Select); coding-DNA position 8479, G replaced by T.
Protein change: p.Asp2827Tyr; replaces aspartic acid 2827 with tyrosine.
Molecular consequence: missense variant.
Genome position (GRCh38, 1-based): chr8:143,921,342, C>A on the plus strand (G>T on the coding strand, the complement: PLEC is on the minus strand). VCF-style: chr8-143921342-C-A. GRCh37 (hg19) VCF-style: chr8-144995510-C-A.
Other names: c.8383G>T, p.Asp2795Tyr (NM_201381.3); c.8479G>T, p.Asp2827Tyr (NM_201382.4); c.8491G>T, p.Asp2831Tyr (NM_201383.3); c.8560G>T, p.Asp2854Tyr (NM_000445.5); c.5179G>T, p.Asp1727Tyr (NM_001410941.1); c.8437G>T, p.Asp2813Tyr (NM_201378.4); c.8413G>T, p.Asp2805Tyr (NM_201379.3); c.8890G>T, p.Asp2964Tyr (NM_201380.4); short protein forms D2805Y, D2854Y, D2827Y, D2795Y, D2813Y, D2964Y, D1727Y, D2831Y.
Identifiers: ClinVar variation 4788235 (VCV004788235.1).